The following is an entry in ClinVar:

NM_020232.5(PSMG2):c.289-13A>G

Gene: PSMG2 (proteasome assembly chaperone 2; plus strand). Cytogenetic location: 18p11.21.
Variant type: single nucleotide variant.
Coding change: c.289-13A>G on transcript NM_020232.5 (MANE Select); 13 bases into the intron before coding-DNA position 289, A replaced by G.
Molecular consequence: intron variant.
Genome position (GRCh38, 1-based): chr18:12,718,504, A>G. VCF-style: chr18-12718504-A-G. GRCh37 (hg19) VCF-style: chr18-12718503-A-G.
Other names: c.196-13A>G (NM_147163.2).
Identifiers: ClinVar variation 1348978 (VCV001348978.6), dbSNP rs200146997, ClinGen allele CA8898367.

ClinVar aggregate classification (germline): Uncertain significance (1 of 4 stars; one submission).

Allele frequency attached by ClinVar (database versions not stated): ExAC 0.00003; gnomAD exomes 0.00003 and 0.00005; gnomAD 0.00004; ESP Exome Variant Server 0.00008.
gnomAD v4.1: 70 of 1,544,558 alleles (0.0045%); highest among the groups gnomAD compares: Non-Finnish European, 0.0056%; no homozygotes.

Submission:

Labcorp Genetics (formerly Invitae), Labcorp
Classification: Uncertain significance. Last evaluated: 2025-10-01. Review status: criteria provided, single submitter. Criteria: Invitae Variant Classification Sherloc (09022015). Collection method: clinical testing. Allele origin: germline.
Comment: This sequence change falls in intron 3 of the PSMG2 gene. It does not directly change the encoded amino acid sequence of the PSMG2 protein. This variant is present in population databases (rs200146997, gnomAD 0.007%). This variant has not been reported in the literature in individuals affected with PSMG2-related conditions. ClinVar contains an entry for this variant (Variation ID: 1348978). Algorithms developed to predict the effect of sequence changes on RNA splicing suggest that this variant may disrupt the consensus splice site. In summary, the available evidence is currently insufficient to determine the role of this variant in disease. Therefore, it has been classified as a Variant of Uncertain Significance.